The following is an entry in ClinVar:

NM_000168.6(GLI3):c.1999C>T (p.Arg667Ter)

Gene: GLI3 (GLI family zinc finger 3; minus strand). Cytogenetic location: 7p14.1.
Variant type: single nucleotide variant.
Coding change: c.1999C>T on transcript NM_000168.6 (MANE Select); coding-DNA position 1999, C replaced by T.
Protein change: p.Arg667Ter; replaces arginine 667 with a stop codon.
Molecular consequence: nonsense.
Genome position (GRCh38, 1-based): chr7:41,972,441, G>A on the plus strand (C>T on the coding strand, the complement: GLI3 is on the minus strand). VCF-style: chr7-41972441-G-A. GRCh37 (hg19) VCF-style: chr7-42012040-G-A.
Other names: short protein forms R667*.
Identifiers: ClinVar variation 1120233 (VCV001120233.11), dbSNP rs781422192, ClinGen allele CA4230712.

ClinVar aggregate classification (germline): Pathogenic. Review status: criteria provided, multiple submitters, no conflicts (2 of 4 stars). 7 submissions from 7 submitters: Pathogenic (7). Last evaluated 2025-05-26.

Conditions:
GLI3-related disorder. Also called: GLI3-related condition; GLI3-related disorders. Identifiers: MedGen CN239292.
Inborn genetic diseases. Identifiers: MedGen C0950123, MeSH D030342.
Greig cephalopolysyndactyly syndrome (GCPS). Also called: Greig syndrome; GLI3-Related Greig Cephalopolysyndactyly Syndrome; POLYSYNDACTYLY WITH PECULIAR SKULL SHAPE. Identifiers: Orphanet 380, MedGen C0265306, MONDO:0008287, OMIM 175700.
Pallister-Hall syndrome (PHS). Also called: GLI3-Related Pallister-Hall Syndrome; HYPOTHALAMIC HAMARTOBLASTOMA, HYPOPITUITARISM, IMPERFORATE ANUS, AND POSTAXIAL POLYDACTYLY. Identifiers: Orphanet 672, MedGen C0265220, MONDO:0007804, OMIM 146510.
Polydactyly, postaxial, type A1. Identifiers: MedGen C4282400, MONDO:0008266, OMIM 174200.
Polysyndactyly 4. Also called: Polysyndactyly uncomplicated; Preaxial polydactyly 4. Identifiers: Orphanet 93338, MedGen C1868111, MONDO:0008272, OMIM 174700.

Allele frequency attached by ClinVar (database versions not stated): ExAC 0.00001; gnomAD 0.00001.

Submissions (7):

Victorian Clinical Genetics Services, Murdoch Childrens Research Institute
Classification: Pathogenic for Greig cephalopolysyndactyly syndrome. Last evaluated: 2025-05-26. Review status: criteria provided, single submitter. Criteria: ACMG Guidelines, 2015. Collection method: clinical testing. Allele origin: germline. Affected: yes.
Comment: This variant is classified as Pathogenic. Evidence in support of pathogenic classification: Variant is predicted to cause nonsense-mediated decay (NMD) and loss of protein (premature termination codon is located at least 54 nucleotides upstream of the final exon-exon junction); Variant is present in gnomAD <0.001 for a dominant condition (v4: 1 heterozygote(s), 0 homozygote(s)); This variant has moderate previous evidence of pathogenicity in unrelated individuals. This variant has been classified as pathogenic by multiple clinical laboratories in ClinVar and has been reported in the literature as pathogenic in individuals with Greig cephalopolysyndactyly syndrome (PMID: 31502745, 34482537); Other NMD-predicted variants comparable to the one identified in this case have very strong previous evidence for pathogenicity (DECIPHER). Additional information: This variant is heterozygous; This gene is associated with autosomal dominant disease; No published functional evidence has been identified for this variant; Loss of function is a known mechanism of disease in this gene and is associated with Greig cephalopolysyndactyly syndrome (GCPS, MIM#175700), Pallister-Hall syndrome (MIM#146510), postaxial polydactyly type A1 and B (MIM#174200), and preaxial polydactyly type IV (MIM#174700); Variants in this gene are known to have variable expressivity. Intrafamilial variability has been reported (PMID: 18000979); Inheritance information for this variant is not currently available in this individual.

Blueprint Genetics
Classification: Pathogenic for GLI3-related disorders. Last evaluated: 2023-05-24. Review status: criteria provided, single submitter. Criteria: ACMG Guidelines, 2015. Collection method: clinical testing. Allele origin: germline. Affected: yes. Observed: 4 variant alleles.

Ambry Genetics
Classification: Pathogenic for Inborn genetic diseases. Last evaluated: 2023-05-19. Review status: criteria provided, single submitter. Criteria: Ambry Variant Classification Scheme 2023. Collection method: clinical testing. Allele origin: germline.
Comment: The c.1999C>T (p.R667*) alteration, located in exon 13 (coding exon 12) of the GLI3 gene, consists of a C to T substitution at nucleotide position 1999. This changes the amino acid from a arginine (R) to a stop codon at amino acid position 667. This alteration is expected to result in loss of function by premature protein truncation or nonsense-mediated mRNA decay. This allele was reported in one heterozygous individual in population-based cohorts in the Genome Aggregation Database (gnomAD). This variant has been reported in a family with features consistent with GLI3-related digital anomaly disorders (Sczakiel, 2021). Based on the available evidence, this alteration is classified as pathogenic.

Mendelics
Classification: Pathogenic for Pallister-Hall syndrome. Last evaluated: 2022-05-04. Review status: criteria provided, single submitter. Criteria: Mendelics Assertion Criteria 2019. Collection method: clinical testing. Allele origin: germline.

GeneDx
Classification: Pathogenic. Last evaluated: 2022-01-05. Review status: criteria provided, single submitter. Criteria: GeneDx Variant Classification Process June 2021. Collection method: clinical testing. Allele origin: germline. Affected: yes.
Comment: Nonsense variant predicted to result in protein truncation or nonsense mediated decay in a gene for which loss-of-function is a known mechanism of disease; This variant is associated with the following publications: (PMID: 34638259, 25525159, 33502061, 34482537, 31502745)

Institute for Medical Genetics and Human Genetics, Charité - Universitätsmedizin Berlin
Classification: Pathogenic for Greig cephalopolysyndactyly syndrome. Last evaluated: 2021-06-01. Review status: criteria provided, single submitter. Criteria: ACMG Guidelines, 2015. Collection method: research. Allele origin: germline. Inheritance: Autosomal dominant inheritance. Affected: yes. Observed: 1 heterozygote.

Juno Genomics, Hangzhou Juno Genomics, Inc
Classification: Pathogenic for Greig cephalopolysyndactyly syndrome; Pallister-Hall syndrome; Polydactyly, postaxial, type A1; Polysyndactyly 4. Review status: criteria provided, single submitter. Criteria: ACMG Guidelines, 2015. Collection method: clinical testing. Allele origin: germline. Affected: yes.
Comment: Absent from controls (or at extremely low frequency if recessive) in Genome Aggregation Database.;Null variant in a gene where loss of function (LOF) is a known mechanism of disease.;The prevalence of the variant in affected individuals is significantly increased compared to the prevalence in controls.;Patient's phenotype or family history is highly specific for a disease with a single genetic etiology.

Literature cited by the submitters: PubMed 31502745 (cited by Victorian Clinical Genetics Services, Murdoch Childrens Research Institute); PubMed 18000979 (cited by Victorian Clinical Genetics Services, Murdoch Childrens Research Institute); PubMed 34482537 (cited by Victorian Clinical Genetics Services, Murdoch Childrens Research Institute and Ambry Genetics).